The following is an entry in ClinVar:

NM_000218.3(KCNQ1):c.2019T>A (p.Asp673Glu)

Genes: KCNQ1 (potassium voltage-gated channel subfamily Q member 1; plus strand), KCNQ1-AS1 (KCNQ1 antisense RNA 1; minus strand). Cytogenetic location: 11p15.4.
Variant type: single nucleotide variant.
Coding change: c.2019T>A on transcript NM_000218.3 (MANE Select); coding-DNA position 2019, T replaced by A.
Protein change: p.Asp673Glu; replaces aspartic acid 673 with glutamic acid.
Molecular consequence: missense variant.
Genome position (GRCh38, 1-based): chr11:2,847,991, T>A. VCF-style: chr11-2847991-T-A. GRCh37 (hg19) VCF-style: chr11-2869221-T-A.
Other names: c.1923T>A, p.Asp641Glu (NM_001406836.1); c.1749T>A, p.Asp583Glu (NM_001406837.1); c.1479T>A, p.Asp493Glu (NM_001406838.1); c.531T>A, p.Asp177Glu (NM_001406839.1); c.1638T>A, p.Asp546Glu (NM_181798.2); short protein forms D177E, D493E, D546E, D583E, D641E, D673E.
Identifiers: ClinVar variation 1704863 (VCV001704863.2), dbSNP rs1848370723, ClinGen allele CA379140632.

ClinVar aggregate classification (germline): Uncertain significance (1 of 4 stars; one submission).

Submission:

GeneDx
Classification: Uncertain significance. Last evaluated: 2022-03-10. Review status: criteria provided, single submitter. Criteria: GeneDx Variant Classification Process June 2021. Collection method: clinical testing. Allele origin: germline. Affected: yes.
Comment: Not observed at significant frequency in large population cohorts (gnomAD); In silico analysis supports that this missense variant does not alter protein structure/function; Has not been previously published as pathogenic or benign to our knowledge